The following is an entry in ClinVar:

ClinVar aggregate classification (germline): Uncertain significance. Review status: criteria provided, multiple submitters, no conflicts (2 of 4 stars). 2 submissions from 2 submitters: Uncertain significance (2). Last evaluated 2026-02-17.

Allele frequency attached by ClinVar (database versions not stated): gnomAD exomes below 0.00001 and 0.00001; gnomAD 0.00001; TOPMed 0.00002.
gnomAD v4.1: 10 of 1,613,550 alleles (0.00062%); highest among the groups gnomAD compares: Middle Eastern, 0.016%; no homozygotes.

Submissions (2):

Women's Health and Genetics/Laboratory Corporation of America, LabCorp
Classification: Uncertain significance. Last evaluated: 2026-02-17. Review status: criteria provided, single submitter. Criteria: LabCorp Variant Classification Summary - May 2015. Collection method: clinical testing. Allele origin: germline.
Comment: Variant summary: COL7A1 c.2384C>T (p.Thr795Ile) results in a non-conservative amino acid change in the encoded protein sequence. Algorithms developed to predict the effect of missense changes on protein structure and function are either unavailable or do not agree on the potential impact of this missense change. The variant allele was found at a frequency of 4e-06 in 251164 control chromosomes. The available data on variant occurrences in the general population are insufficient to allow any conclusion about variant significance. To our knowledge, no occurrence of c.2384C>T in individuals affected with COL7A1-related conditions and no experimental evidence demonstrating its impact on protein function have been reported. ClinVar contains an entry for this variant (Variation ID: 1523802). Based on the evidence outlined above, the variant was classified as uncertain significance.

Labcorp Genetics (formerly Invitae), Labcorp
Classification: Uncertain significance. Last evaluated: 2024-10-21. Review status: criteria provided, single submitter. Criteria: Invitae Variant Classification Sherloc (09022015). Collection method: clinical testing. Allele origin: germline.
Comment: This sequence change replaces threonine, which is neutral and polar, with isoleucine, which is neutral and non-polar, at codon 795 of the COL7A1 protein (p.Thr795Ile). This variant is present in population databases (no rsID available, gnomAD 0.004%). This variant has not been reported in the literature in individuals affected with COL7A1-related conditions. ClinVar contains an entry for this variant (Variation ID: 1523802). Invitae Evidence Modeling of protein sequence and biophysical properties (such as structural, functional, and spatial information, amino acid conservation, physicochemical variation, residue mobility, and thermodynamic stability) indicates that this missense variant is not expected to disrupt COL7A1 protein function with a negative predictive value of 95%. In summary, the available evidence is currently insufficient to determine the role of this variant in disease. Therefore, it has been classified as a Variant of Uncertain Significance.

Literature cited by the submitters: PubMed 35982160 (cited by Women's Health and Genetics/Laboratory Corporation of America, LabCorp).

NM_000094.4(COL7A1):c.2384C>T (p.Thr795Ile)

Gene: COL7A1 (collagen type VII alpha 1 chain; minus strand). Cytogenetic location: 3p21.31.
Variant type: single nucleotide variant.
Coding change: c.2384C>T on transcript NM_000094.4 (MANE Select); coding-DNA position 2384, C replaced by T.
Protein change: p.Thr795Ile; replaces threonine 795 with isoleucine.
Molecular consequence: missense variant.
Genome position (GRCh38, 1-based): chr3:48,588,926, G>A on the plus strand (C>T on the coding strand, the complement: COL7A1 is on the minus strand). VCF-style: chr3-48588926-G-A. GRCh37 (hg19) VCF-style: chr3-48626359-G-A.
Other names: short protein forms T795I.
Identifiers: ClinVar variation 1523802 (VCV001523802.6), dbSNP rs1338660252, ClinGen allele CA352720822.